The following is an entry in ClinVar:

ClinVar aggregate classification (germline): Likely benign. Review status: criteria provided, multiple submitters, no conflicts (2 of 4 stars). 2 submissions from 2 submitters: Likely benign (2). Last evaluated 2024-10-09.

Conditions:
Hereditary diffuse gastric adenocarcinoma (HDGC). Also called: DIFFUSE GASTRIC AND LOBULAR BREAST CANCER SYNDROME. Identifiers: Orphanet 26106, MedGen C1708349, MONDO:0007648, OMIM 137215.

Submissions (2):

Myriad Genetics, Inc.
Classification: Likely benign for Hereditary diffuse gastric adenocarcinoma. Last evaluated: 2024-10-09. Review status: criteria provided, single submitter. Criteria: Myriad Autosomal Dominant, Autosomal Recessive and X-Linked Classification Criteria (2023). Collection method: clinical testing. Allele origin: unknown.
Comment: This variant is considered likely benign. This variant is intronic and is not expected to impact mRNA splicing.

Labcorp Genetics (formerly Invitae), Labcorp
Classification: Likely benign. Last evaluated: 2022-06-03. Review status: criteria provided, single submitter. Criteria: Invitae Variant Classification Sherloc (09022015). Collection method: clinical testing. Allele origin: germline.

NM_001903.5(CTNNA1):c.468+8T>C

Gene: CTNNA1 (catenin alpha 1; plus strand). Cytogenetic location: 5q31.2.
Variant type: single nucleotide variant.
Coding change: c.468+8T>C on transcript NM_001903.5 (MANE Select); 8 bases into the intron after coding-DNA position 468, T replaced by C.
Molecular consequence: intron variant.
Genome position (GRCh38, 1-based): chr5:138,810,212, T>C. VCF-style: chr5-138810212-T-C. GRCh37 (hg19) VCF-style: chr5-138145901-T-C.
Other names: c.468+8T>C (NM_001323982.2, NM_001323984.2, NM_001290307.3 and 3 more transcripts); c.99+8T>C (NM_001290310.3); c.159+8T>C (NM_001290309.3).
Identifiers: ClinVar variation 2002153 (VCV002002153.5), dbSNP rs1758535940, ClinGen allele CA2580072847.